The following is an entry in ClinVar:

NM_001377299.1(NDUFS2):c.779A>G (p.Glu260Gly)

Gene: NDUFS2 (NADH:ubiquinone oxidoreductase core subunit S2; plus strand). Cytogenetic location: 1q23.3.
Variant type: single nucleotide variant.
Coding change: c.779A>G on transcript NM_001377299.1 (MANE Select); coding-DNA position 779, A replaced by G.
Protein change: p.Glu260Gly; replaces glutamic acid 260 with glycine.
Molecular consequence: missense variant. On other transcripts: non-coding transcript variant (1), intron variant (1).
Genome position (GRCh38, 1-based): chr1:161,210,187, A>G. VCF-style: chr1-161210187-A-G. GRCh37 (hg19) VCF-style: chr1-161179977-A-G.
Other names: c.779A>G, p.Glu260Gly (NM_001166159.2, NM_001377298.1, NM_001377300.1 and 3 more transcripts); c.703-117A>G (NM_001410889.1); short protein forms E260G.
Identifiers: ClinVar variation 3363590 (VCV003363590.1).

ClinVar aggregate classification (germline): Uncertain significance (1 of 4 stars; one submission).

Submission:

GeneDx
Classification: Uncertain significance. Last evaluated: 2023-10-27. Review status: criteria provided, single submitter. Criteria: GeneDx Variant Classification Process June 2021. Collection method: clinical testing. Allele origin: germline. Affected: yes.
Comment: Has not been previously published as pathogenic or benign to our knowledge; Not observed at significant frequency in large population cohorts (gnomAD); In silico analysis supports that this missense variant has a deleterious effect on protein structure/function; In silico analysis is inconclusive as to whether the variant alters gene splicing. In the absence of RNA/functional studies, the actual effect of this sequence change is unknown.